The following is an entry in ClinVar:

ClinVar aggregate classification (germline): Uncertain significance (1 of 4 stars; one submission).

Allele frequency attached by ClinVar (database versions not stated): gnomAD 0.00001; gnomAD exomes below 0.00001.
gnomAD v4.1: 2 of 1,324,274 alleles (0.00015%); highest among the groups gnomAD compares: Middle Eastern, 0.018%; no homozygotes.

Submission:

Labcorp Genetics (formerly Invitae), Labcorp
Classification: Uncertain significance. Last evaluated: 2025-12-15. Review status: criteria provided, single submitter. Criteria: Invitae Variant Classification Sherloc (09022015). Collection method: clinical testing. Allele origin: germline.
Comment: This sequence change falls in intron 30 of the SMARCA2 gene. It does not directly change the encoded amino acid sequence of the SMARCA2 protein. It affects a nucleotide within the consensus splice site. This variant is not present in population databases (gnomAD no frequency). This variant has not been reported in the literature in individuals affected with SMARCA2-related conditions. ClinVar contains an entry for this variant (Variation ID: 1974623). Variants that disrupt the consensus splice site are a relatively common cause of aberrant splicing (PMID: 17576681, 9536098). Algorithms developed to predict the effect of sequence changes on RNA splicing suggest that this variant is not likely to affect RNA splicing. In summary, the available evidence is currently insufficient to determine the role of this variant in disease. Therefore, it has been classified as a Variant of Uncertain Significance.

Literature cited by the submitters: PubMed 17576681; PubMed 9536098.

NM_003070.5(SMARCA2):c.4359+5A>G

Gene: SMARCA2 (SWI/SNF related BAF chromatin remodeling complex subunit ATPase 2; plus strand). Cytogenetic location: 9p24.3.
Variant type: single nucleotide variant.
Coding change: c.4359+5A>G on transcript NM_003070.5 (MANE Select); 5 bases into the intron after coding-DNA position 4359, A replaced by G.
Molecular consequence: intron variant.
Genome position (GRCh38, 1-based): chr9:2,181,681, A>G. VCF-style: chr9-2181681-A-G. GRCh37 (hg19) VCF-style: chr9-2181681-A-G.
Other names: c.4305+5A>G (NM_139045.4); c.4131+5A>G (NM_001289397.2); c.4359+5A>G (NM_001289396.2); c.333+5A>G (NM_001289398.2); c.423+5A>G (NM_001289400.2); c.417+5A>G (NM_001289399.2).
Identifiers: ClinVar variation 1974623 (VCV001974623.5), dbSNP rs935887985, ClinGen allele CA187938165.